The following is an entry in ClinVar:

ClinVar aggregate classification (germline): Pathogenic (1 of 4 stars; one submission).

Conditions:
Miyoshi muscular dystrophy 3 (MMD3). Also called: Miyoshi Muscular Dystrophy 3 (MMD3); Miyoshi myopathy 3. Identifiers: Orphanet 399096, MedGen C2750076, MONDO:0013222, OMIM 613319.

gnomAD v4.1: 5 of 1,613,950 alleles (0.00031%); highest among the groups gnomAD compares: South Asian, 0.0022%; no homozygotes.

Submission:

Baylor Genetics
Classification: Pathogenic for Miyoshi muscular dystrophy 3. Last evaluated: 2019-11-04. Review status: criteria provided, single submitter. Criteria: ACMG Guidelines, 2015. Collection method: clinical testing. Allele origin: unknown. Affected: yes.
Comment: This variant was determined to be pathogenic according to ACMG Guidelines, 2015 [PMID:25741868].

NM_213599.3(ANO5):c.2116C>T (p.Arg706Ter)

Gene: ANO5 (anoctamin 5; plus strand). Cytogenetic location: 11p14.3.
Variant type: single nucleotide variant.
Coding change: c.2116C>T on transcript NM_213599.3 (MANE Select); coding-DNA position 2116, C replaced by T.
Protein change: p.Arg706Ter; replaces arginine 706 with a stop codon.
Molecular consequence: nonsense.
Genome position (GRCh38, 1-based): chr11:22,272,870, C>T. VCF-style: chr11-22272870-C-T. GRCh37 (hg19) VCF-style: chr11-22294416-C-T.
Other names: c.2113C>T, p.Arg705Ter (NM_001142649.2); short protein forms R705*, R706*.
Identifiers: ClinVar variation 1029543 (VCV001029543.1), dbSNP rs768835530, ClinGen allele CA5923458.
Genomic context (GRCh38, chr11:22,272,870, plus strand): 5'-TTTGTGGCCTCTTTTCCTTTGGCTCCTCTTCTTGCTCTCATAAATAATATTGTAGAGATT[C>T]GAGTGGATGCCTGGAAACTTACCACTCAATACAGGAGAACTGTAGCTTCTAAAGCTCATA-3'